The following is an entry in ClinVar:

ClinVar aggregate classification (germline): Uncertain significance. Review status: criteria provided, multiple submitters, no conflicts (2 of 4 stars). 4 submissions from 3 submitters: Uncertain significance (4). Last evaluated 2023-11-04.

Conditions:
Retinitis pigmentosa 39 (RP39). Identifiers: Orphanet 791, MedGen C3151138, MONDO:0013436, OMIM 613809.
Usher syndrome type 2A. Also called: RETINAL DISEASE IN USHER SYNDROME TYPE IIA, MODIFIER OF; USHER SYNDROME, TYPE IIA. Identifiers: Orphanet 231178, Orphanet 886, MedGen C1848634, MONDO:0010169, OMIM 276901.

Allele frequency attached by ClinVar (database versions not stated): gnomAD 0.00001; TOPMed below 0.00001.
gnomAD v4.1: 1 of 1,614,036 alleles (0.000062%); highest among the groups gnomAD compares: Non-Finnish European, 0.000085%; no homozygotes.

Submissions (4):

Genome-Nilou Lab
Classification: Uncertain significance for Retinitis pigmentosa 39. Last evaluated: 2023-11-04. Review status: criteria provided, single submitter. Criteria: ACMG Guidelines, 2015. Collection method: clinical testing. Allele origin: germline. Affected: no.

Genome-Nilou Lab
Classification: Uncertain significance for Usher syndrome type 2A. Last evaluated: 2023-11-04. Review status: criteria provided, single submitter. Criteria: ACMG Guidelines, 2015. Collection method: clinical testing. Allele origin: germline. Affected: no.

Labcorp Genetics (formerly Invitae), Labcorp
Classification: Uncertain significance. Last evaluated: 2020-06-23. Review status: criteria provided, single submitter. Criteria: Invitae Variant Classification Sherloc (09022015). Collection method: clinical testing. Allele origin: germline.
Comment: In summary, the available evidence is currently insufficient to determine the role of this variant in disease. Therefore, it has been classified as a Variant of Uncertain Significance. Algorithms developed to predict the effect of missense changes on protein structure and function are either unavailable or do not agree on the potential impact of this missense change (SIFT: "Deleterious"; PolyPhen-2: "Probably Damaging"; Align-GVGD: "Class C0"). This variant has not been reported in the literature in individuals with USH2A-related conditions. ClinVar contains an entry for this variant (Variation ID: 866654). This variant is not present in population databases (ExAC no frequency). This sequence change replaces cysteine with phenylalanine at codon 3295 of the USH2A protein (p.Cys3295Phe). The cysteine residue is highly conserved and there is a large physicochemical difference between cysteine and phenylalanine.

Blueprint Genetics
Classification: Uncertain significance. Last evaluated: 2019-07-24. Review status: criteria provided, single submitter. Criteria: ACMG Guidelines, 2015. Collection method: clinical testing. Allele origin: germline.

NM_206933.4(USH2A):c.9884G>T (p.Cys3295Phe)

Gene: USH2A (usherin; minus strand). Cytogenetic location: 1q41.
Variant type: single nucleotide variant.
Coding change: c.9884G>T on transcript NM_206933.4 (MANE Select); coding-DNA position 9884, G replaced by T.
Protein change: p.Cys3295Phe; replaces cysteine 3295 with phenylalanine.
Molecular consequence: missense variant.
Genome position (GRCh38, 1-based): chr1:215,798,981, C>A on the plus strand (G>T on the coding strand, the complement: USH2A is on the minus strand). VCF-style: chr1-215798981-C-A. GRCh37 (hg19) VCF-style: chr1-215972323-C-A.
Other names: short protein forms C3295F.
Identifiers: ClinVar variation 866654 (VCV000866654.12), dbSNP rs1662221668, ClinGen allele CA344848844.